The following is an entry in ClinVar:

ClinVar aggregate classification (germline): Likely pathogenic (1 of 4 stars; one submission).

Submission:

GeneDx
Classification: Likely pathogenic. Last evaluated: 2017-09-15. Review status: criteria provided, single submitter. Criteria: GeneDx Variant Classification (06012015). Collection method: clinical testing. Allele origin: germline. Affected: yes.
Comment: The c.4350dupA variant in the TCOF1 gene has been reported previously in at least one individual with Treacher Collins syndrome (Masotti et al., 2009). This duplication causes a frameshift starting with codon Aspartic Acid 1451, changes this amino acid to an Arginine residue and creates a premature Stop codon at position 20 of the new reading frame, denoted p.Asp1451ArgfsX20. This variant is predicted to cause loss of normal protein function through protein truncation. Based on currently available evidence, c.4350dupA is a strong candidate for a pathogenic variant. However, the possibility it may be a rare benign variant cannot be excluded.

NM_001371623.1(TCOF1):c.4353dup (p.Asp1452fs)

Gene: TCOF1 (treacle ribosome biogenesis factor 1; plus strand). Cytogenetic location: 5q32.
Variant type: Duplication.
Coding change: c.4353dup on transcript NM_001371623.1 (MANE Select); coding-DNA position 4353, one base duplicated (A; older notation c.4353dupA).
Protein change: p.Asp1452fs; shifts the reading frame from aspartic acid 1452.
Molecular consequence: frameshift variant.
Genome position (GRCh38, 1-based): chr5:150,398,361, A duplicated; the last of 7 consecutive A bases (chr5:150,398,355-150,398,361); duplicating any one gives the same sequence. VCF-style (leftmost placement, unchanged base first): chr5-150398354-G-GA. GRCh37 (hg19) VCF-style: chr5-149777917-G-GA.
Other names: c.4350dupA (NM_001135243.1); c.4119dup, p.Asp1374fs (NM_000356.4); c.4350dup, p.Asp1451fs (NM_001135243.2); c.4239dup, p.Asp1414fs (NM_001135244.2); c.4122dup, p.Asp1375fs (NM_001135245.2); c.4236dup, p.Asp1413fs (NM_001195141.2); short protein forms D1375fs, D1413fs, D1414fs, D1451fs, D1374fs, D1452fs.
Identifiers: ClinVar variation 449444 (VCV000449444.2), dbSNP rs1266047546, ClinGen allele CA563574665.